The following is an entry in ClinVar:

NM_001170629.2(CHD8):c.7010T>A (p.Leu2337Gln)

Genes: CHD8 (chromodomain helicase DNA binding protein 8; minus strand), LOC126861888 (CDK7 strongly-dependent group 2 enhancer GRCh37_chr14:21859227-21860426; plus strand). Cytogenetic location: 14q11.2.
Variant type: single nucleotide variant.
Coding change: c.7010T>A on transcript NM_001170629.2 (MANE Select); coding-DNA position 7010, T replaced by A.
Protein change: p.Leu2337Gln; replaces leucine 2337 with glutamine.
Molecular consequence: missense variant.
Genome position (GRCh38, 1-based): chr14:21,391,518, A>T on the plus strand (T>A on the coding strand, the complement: CHD8 is on the minus strand). VCF-style: chr14-21391518-A-T. GRCh37 (hg19) VCF-style: chr14-21859677-A-T.
Other names: c.6173T>A, p.Leu2058Gln (NM_020920.4); short protein forms L2058Q, L2337Q.
Identifiers: ClinVar variation 589428 (VCV000589428.5), dbSNP rs1566410027, ClinGen allele CA388877107.

ClinVar aggregate classification (germline): Uncertain significance (1 of 4 stars; one submission).

Conditions:
Inborn genetic diseases. Identifiers: MedGen C0950123, MeSH D030342.

Submission:

Ambry Genetics
Classification: Uncertain significance for Inborn genetic diseases. Last evaluated: 2016-10-13. Review status: criteria provided, single submitter. Criteria: Ambry Variant Classification Scheme 2023. Collection method: clinical testing. Allele origin: germline.
Comment: The p.L2337Q variant (also known as c.7010T>A), located in coding exon 35 of the CHD8 gene, results from a T to A substitution at nucleotide position 7010. The leucine at codon 2337 is replaced by glutamine, an amino acid with dissimilar properties. This variant was not reported in population based cohorts in the following databases: Database of Single Nucleotide Polymorphisms (dbSNP), NHLBI Exome Sequencing Project (ESP), and 1000 Genomes Project. In the ESP, this variant was not observed in 6187 samples (12374 alleles) with coverage at this position. This amino acid position is highly conserved in available vertebrate species. In addition, this alteration is predicted to be deleterious by in silico analysis. Since supporting evidence is limited at this time, the clinical significance of this alteration remains unclear.